The following is an entry in ClinVar:

ClinVar aggregate classification (germline): Uncertain significance. Review status: criteria provided, multiple submitters, no conflicts (2 of 4 stars). 2 submissions from 2 submitters: Uncertain significance (2). Last evaluated 2025-04-30.

Conditions:
Progressive familial heart block type IB (PFHB1B). Identifiers: Orphanet 871, MedGen C1970298, MONDO:0011474, OMIM 604559.
Cardiovascular phenotype. Identifiers: MedGen CN230736.

Allele frequency attached by ClinVar (database versions not stated): gnomAD 0.00001; TOPMed 0.00001.

Submissions (2):

Labcorp Genetics (formerly Invitae), Labcorp
Classification: Uncertain significance for Progressive familial heart block type IB. Last evaluated: 2025-04-30. Review status: criteria provided, single submitter. Criteria: Invitae Variant Classification Sherloc (09022015). Collection method: clinical testing. Allele origin: germline.
Comment: This sequence change replaces glutamic acid, which is acidic and polar, with lysine, which is basic and polar, at codon 5 of the TRPM4 protein (p.Glu5Lys). This variant is not present in population databases (gnomAD no frequency). This variant has not been reported in the literature in individuals affected with TRPM4-related conditions. ClinVar contains an entry for this variant (Variation ID: 1010284). An algorithm developed to predict the effect of missense changes on protein structure and function (PolyPhen-2) suggests that this variant is likely to be disruptive. In summary, the available evidence is currently insufficient to determine the role of this variant in disease. Therefore, it has been classified as a Variant of Uncertain Significance.

Ambry Genetics
Classification: Uncertain significance for Cardiovascular phenotype. Last evaluated: 2023-08-29. Review status: criteria provided, single submitter. Criteria: Ambry Variant Classification Scheme 2023. Collection method: clinical testing. Allele origin: germline.
Comment: The p.E5K variant (also known as c.13G>A), located in coding exon 1 of the TRPM4 gene, results from a G to A substitution at nucleotide position 13. The glutamic acid at codon 5 is replaced by lysine, an amino acid with similar properties. This amino acid position is conserved. In addition, this alteration is predicted to be tolerated by in silico analysis. Since supporting evidence is limited at this time, the clinical significance of this alteration remains unclear.

NM_017636.4(TRPM4):c.13G>A (p.Glu5Lys)

Gene: TRPM4 (transient receptor potential cation channel subfamily M member 4; plus strand). Cytogenetic location: 19q13.33.
Variant type: single nucleotide variant.
Coding change: c.13G>A on transcript NM_017636.4 (MANE Select); coding-DNA position 13, G replaced by A.
Protein change: p.Glu5Lys; replaces glutamic acid 5 with lysine.
Molecular consequence: missense variant. On other transcripts: 5 prime UTR variant (3).
Genome position (GRCh38, 1-based): chr19:49,157,879, G>A. VCF-style: chr19-49157879-G-A. GRCh37 (hg19) VCF-style: chr19-49661136-G-A.
Other names: c.13G>A, p.Glu5Lys (NM_001195227.2, NM_001321281.2); c.-1360G>A (NM_001321282.2); c.-154G>A (NM_001321283.2); c.-317G>A (NM_001321285.2); c.13G>A (NM_017636.3); short protein forms E5K.
Identifiers: ClinVar variation 1010284 (VCV001010284.10), dbSNP rs999572673, ClinGen allele CA309424822.
Genomic context (GRCh38, chr19:49,157,879, plus strand): 5'-GGAGCGCCGGGGCCCTGGGCTGCAGGAGGTTGCGGCGGCCGCGGCAGCATGGTGGTGCCG[G>A]AGAAGGAGCAGGTGAGCGCCGGACCAGGGTCTGCGGGAGCGCGGAGCTGGGGACCTCGCC-3'
Protein context (NP_060106.2, residues 1-15): MVVP[Glu5Lys]KEQSWIPKIF